The following is an entry in ClinVar:

ClinVar aggregate classification (germline): Uncertain significance (1 of 4 stars; one submission).

Submission:

GeneDx
Classification: Uncertain significance. Last evaluated: 2024-07-26. Review status: criteria provided, single submitter. Criteria: GeneDx Variant Classification Process June 2021. Collection method: clinical testing. Allele origin: germline. Affected: yes.
Comment: Not observed at significant frequency in large population cohorts (gnomAD); In silico analysis supports that this missense variant has a deleterious effect on protein structure/function; Has not been previously published as pathogenic or benign to our knowledge; In silico analysis suggests this variant may impact gene splicing. In the absence of RNA/functional studies, the actual effect of this sequence change is unknown.

NM_212482.4(FN1):c.1472G>A (p.Gly491Asp)

Gene: FN1 (fibronectin 1; minus strand). Cytogenetic location: 2q35.
Variant type: single nucleotide variant.
Coding change: c.1472G>A on transcript NM_212482.4 (MANE Select); coding-DNA position 1472, G replaced by A.
Protein change: p.Gly491Asp; replaces glycine 491 with aspartic acid.
Molecular consequence: missense variant.
Genome position (GRCh38, 1-based): chr2:215,422,165, C>T on the plus strand (G>A on the coding strand, the complement: FN1 is on the minus strand). VCF-style: chr2-215422165-C-T. GRCh37 (hg19) VCF-style: chr2-216286888-C-T.
Other names: c.1472G>A, p.Gly491Asp (NM_001306129.2, NM_001306130.2, NM_001306131.2 and 14 more transcripts); short protein forms G491D.
Identifiers: ClinVar variation 3600625 (VCV003600625.1).